The following is an entry in ClinVar:

NM_020631.6(PLEKHG5):c.-79C>T

Genes: PLEKHG5 (pleckstrin homology and RhoGEF domain containing G5; minus strand), LOC126805598 (MED14-independent group 3 enhancer GRCh37_chr1:6536823-6538022; plus strand). Cytogenetic location: 1p36.31.
Variant type: single nucleotide variant.
Coding change: c.-79C>T on transcript NM_020631.6 (MANE Select); 79 bases upstream of the start codon, C replaced by T.
Molecular consequence: 5 prime UTR variant. On other transcripts: synonymous variant (3).
Genome position (GRCh38, 1-based): chr1:6,477,650, G>A on the plus strand (C>T on the coding strand, the complement: PLEKHG5 is on the minus strand). VCF-style: chr1-6477650-G-A. GRCh37 (hg19) VCF-style: chr1-6537710-G-A.
Other names: c.33C>T, p.His11= (NM_001042663.3, NM_001265592.2); c.-79C>T (NM_001042664.2, NM_001042665.2, NM_001265594.3 and 1 more transcripts); c.129C>T, p.His43= (NM_001265593.2).
Identifiers: ClinVar variation 3049904 (VCV003049904.2), dbSNP rs780903589, ClinGen allele CA415835617.

ClinVar aggregate classification (germline): Likely benign (0 of 4 stars; one submission).

Conditions:
PLEKHG5-related disorder. Also called: PLEKHG5-related condition.

gnomAD v4.1: 2 of 1,603,724 alleles (0.00012%); highest among the groups gnomAD compares: Non-Finnish European, 0.00017%; no homozygotes.

Submission:

PreventionGenetics, part of Exact Sciences
Classification: Likely benign for PLEKHG5-related condition. Last evaluated: 2022-09-08. Review status: no assertion criteria provided. Collection method: clinical testing. Allele origin: germline.
Comment: This variant is classified as likely benign based on ACMG/AMP sequence variant interpretation guidelines (Richards et al. 2015 PMID: 25741868, with internal and published modifications).